The following is an entry in ClinVar:

NM_005477.3(HCN4):c.2833C>G (p.Pro945Ala)

Gene: HCN4 (hyperpolarization activated cyclic nucleotide gated potassium channel 4; minus strand). Cytogenetic location: 15q24.1.
Variant type: single nucleotide variant.
Coding change: c.2833C>G on transcript NM_005477.3 (MANE Select); coding-DNA position 2833, C replaced by G.
Protein change: p.Pro945Ala; replaces proline 945 with alanine.
Molecular consequence: missense variant.
Genome position (GRCh38, 1-based): chr15:73,323,260, G>C on the plus strand (C>G on the coding strand, the complement: HCN4 is on the minus strand). VCF-style: chr15-73323260-G-C. GRCh37 (hg19) VCF-style: chr15-73615601-G-C.
Other names: short protein forms P945A.
Identifiers: ClinVar variation 4802399 (VCV004802399.1).
Genomic context (GRCh38, chr15:73,323,260, plus strand): 5'-ATGAGGGTGGGGGTGGCAGGAAGTGCTCCGGGAGTCCCAGGCCTCCCCGGGCCCCGGGTG[G>C]CGCGGGAGATGGCTGGGCAGCCTGCGGGGAGCGGGCGCCTGGCTGCAGCGGGGTGAGCAG-3'
Protein context (NP_005468.1, residues 935-955): SPQAAQPSPA[Pro945Ala]PGARGGLGLP

ClinVar aggregate classification (germline): Uncertain significance (1 of 4 stars; one submission).

Conditions:
Brugada syndrome 8 (BRGDA8). Identifiers: Orphanet 130, MedGen C2751083, MONDO:0013148, OMIM 613123.

gnomAD v4.1: 1 of 1,526,982 alleles (0.000065%); highest among the groups gnomAD compares: Non-Finnish European, 0.000088%; no homozygotes.

Submission:

Labcorp Genetics (formerly Invitae), Labcorp
Classification: Uncertain significance for Brugada syndrome 8. Last evaluated: 2025-11-21. Review status: criteria provided, single submitter. Criteria: Invitae Variant Classification Sherloc (09022015). Collection method: clinical testing. Allele origin: germline.
Comment: This sequence change replaces proline, which is neutral and non-polar, with alanine, which is neutral and non-polar, at codon 945 of the HCN4 protein (p.Pro945Ala). This variant is not present in population databases (gnomAD no frequency). This variant has not been reported in the literature in individuals affected with HCN4-related conditions. Invitae Evidence Modeling of protein sequence and biophysical properties (such as structural, functional, and spatial information, amino acid conservation, physicochemical variation, residue mobility, and thermodynamic stability) indicates that this missense variant is not expected to disrupt HCN4 protein function with a negative predictive value of 95%. In summary, the available evidence is currently insufficient to determine the role of this variant in disease. Therefore, it has been classified as a Variant of Uncertain Significance.